The following is an entry in ClinVar:

NM_001042413.2(GLIS3):c.*3601C>A

Gene: GLIS3 (GLIS family zinc finger 3; minus strand). Cytogenetic location: 9p24.2.
Variant type: single nucleotide variant.
Coding change: c.*3601C>A on transcript NM_001042413.2 (MANE Select); 3601 bases downstream of the stop codon, C replaced by A.
Molecular consequence: 3 prime UTR variant.
Genome position (GRCh38, 1-based): chr9:3,824,671, G>T on the plus strand (C>A on the coding strand, the complement: GLIS3 is on the minus strand). VCF-style: chr9-3824671-G-T. GRCh37 (hg19) VCF-style: chr9-3824671-G-T.
Other names: c.*3601C>A (NM_152629.4).
Identifiers: ClinVar variation 914149 (VCV000914149.4), dbSNP rs553410195, ClinGen allele CA188253984.

ClinVar aggregate classification (germline): Likely benign (1 of 4 stars; one submission).

Conditions:
Neonatal diabetes mellitus with congenital hypothyroidism. Also called: NDH SYNDROME. Identifiers: Orphanet 79118, MedGen C1857775, MONDO:0012436, OMIM 610199.

Allele frequency attached by ClinVar (database versions not stated): gnomAD 0.00004 and 0.00030; TOPMed 0.00008; 1000 Genomes Project 30x 0.00156; 1000 Genomes Project 0.00160.

Submission:

Illumina Laboratory Services, Illumina
Classification: Likely benign for Neonatal diabetes mellitus with congenital hypothyroidism. Last evaluated: 2018-01-13. Review status: criteria provided, single submitter. Criteria: ICSL Variant Classification Criteria 13 December 2019. Collection method: clinical testing. Allele origin: germline.
Comment: This variant was observed in the ICSL laboratory as part of a predisposition screen in an ostensibly healthy population. It had not been previously curated by ICSL or reported in the Human Gene Mutation Database (HGMD: prior to June 1st, 2018), and was therefore a candidate for classification through an automated scoring system. Utilizing variant allele frequency, disease prevalence and penetrance estimates, and inheritance mode, an automated score was calculated to assess if this variant is too frequent to cause the disease. Based on the score and internal cut-off values, a variant classified as likely benign is not then subjected to further curation. The score for this variant resulted in a classification of likely benign for this disease.